The following is an entry in ClinVar:

NM_014140.4(SMARCAL1):c.1762G>A (p.Ala588Thr)

Gene: SMARCAL1 (SNF2 related chromatin remodeling annealing helicase 1; plus strand). Cytogenetic location: 2q35.
Variant type: single nucleotide variant.
Coding change: c.1762G>A on transcript NM_014140.4 (MANE Select); coding-DNA position 1762, G replaced by A.
Protein change: p.Ala588Thr; replaces alanine 588 with threonine.
Molecular consequence: missense variant.
Genome position (GRCh38, 1-based): chr2:216,447,069, G>A. VCF-style: chr2-216447069-G-A. GRCh37 (hg19) VCF-style: chr2-217311792-G-A.
Other names: c.1762G>A, p.Ala588Thr (NM_001127207.2); short protein forms A588T.
Identifiers: ClinVar variation 290769 (VCV000290769.11), dbSNP rs769553029, ClinGen allele CA2098001.

ClinVar aggregate classification (germline): Uncertain significance. Review status: criteria provided, multiple submitters, no conflicts (2 of 4 stars). 5 submissions from 5 submitters: Uncertain significance (4). 1 of the submissions does not count toward it. Last evaluated 2024-05-21.

Conditions:
Inborn genetic diseases. Identifiers: MedGen C0950123, MeSH D030342.
Schimke immuno-osseous dysplasia (SIOD). Also called: Schimke Immunoosseous Dysplasia. Identifiers: Orphanet 1830, MedGen C0877024, MONDO:0009458, OMIM 242900.

Allele frequency attached by ClinVar (database versions not stated): ExAC 0.00006.
gnomAD v4.1: 146 of 1,600,926 alleles (0.0091%); highest among the groups gnomAD compares: Middle Eastern, 0.017%; no homozygotes.

Submissions (5):

Ambry Genetics
Classification: Uncertain significance for Inborn genetic diseases. Last evaluated: 2024-05-21. Review status: criteria provided, single submitter. Criteria: Ambry Variant Classification Scheme 2023. Collection method: clinical testing. Allele origin: germline.

Labcorp Genetics (formerly Invitae), Labcorp
Classification: Uncertain significance for Schimke immuno-osseous dysplasia. Last evaluated: 2022-11-01. Review status: criteria provided, single submitter. Criteria: Invitae Variant Classification Sherloc (09022015). Collection method: clinical testing. Allele origin: germline.
Comment: This sequence change replaces alanine, which is neutral and non-polar, with threonine, which is neutral and polar, at codon 588 of the SMARCAL1 protein (p.Ala588Thr). This variant is present in population databases (rs769553029, gnomAD 0.02%). This variant has not been reported in the literature in individuals affected with SMARCAL1-related conditions. ClinVar contains an entry for this variant (Variation ID: 290769). Advanced modeling of protein sequence and biophysical properties (such as structural, functional, and spatial information, amino acid conservation, physicochemical variation, residue mobility, and thermodynamic stability) has been performed at Invitae for this missense variant, however the output from this modeling did not meet the statistical confidence thresholds required to predict the impact of this variant on SMARCAL1 protein function. In summary, the available evidence is currently insufficient to determine the role of this variant in disease. Therefore, it has been classified as a Variant of Uncertain Significance.

Fulgent Genetics
Classification: Uncertain significance for Schimke immuno-osseous dysplasia. Last evaluated: 2022-01-26. Review status: criteria provided, single submitter. Criteria: ACMG Guidelines, 2015. Collection method: clinical testing. Allele origin: unknown.

Eurofins Ntd Llc (ga)
Classification: Uncertain significance. Last evaluated: 2016-09-01. Review status: criteria provided, single submitter. Criteria: EGL Classification Definitions 2015. Collection method: clinical testing. Allele origin: germline. Observed: 1 variant allele, 1 heterozygote.

Natera, Inc.
Classification: Uncertain significance for Schimke immuno-osseous dysplasia. Last evaluated: 2019-11-11. Review status: no assertion criteria provided. Collection method: clinical testing. Allele origin: germline. Not counted in ClinVar's aggregate classification.